The following is an entry in ClinVar:

ClinVar aggregate classification (germline): Uncertain significance. Review status: criteria provided, multiple submitters, no conflicts (2 of 4 stars). 2 submissions from 2 submitters: Uncertain significance (2). Last evaluated 2026-05-13.

Conditions:
Hereditary cancer-predisposing syndrome. Also called: Tumor predisposition; Neoplastic Syndromes, Hereditary; Hereditary Cancer Syndrome; Hereditary neoplastic syndrome. Identifiers: Orphanet 140162, MedGen C0027672, MeSH D009386, MONDO:0015356.

gnomAD v4.1: 2 of 1,614,094 alleles (0.00012%); highest among the groups gnomAD compares: Non-Finnish European, 0.00017%; no homozygotes.

Submissions (2):

Ambry Genetics
Classification: Uncertain significance for Hereditary cancer-predisposing syndrome. Last evaluated: 2026-05-13. Review status: criteria provided, single submitter. Criteria: Ambry Variant Classification Scheme 2023. Collection method: clinical testing. Allele origin: germline.
Comment: The p.T937K variant (also known as c.2810C>A), located in coding exon 20 of the MSH3 gene, results from a C to A substitution at nucleotide position 2810. The threonine at codon 937 is replaced by lysine, an amino acid with similar properties. This amino acid position is highly conserved in available vertebrate species. In addition, this alteration is predicted to be deleterious by in silico analysis. Based on the available evidence, the clinical significance of this variant remains unclear.

Labcorp Genetics (formerly Invitae), Labcorp
Classification: Uncertain significance. Last evaluated: 2025-03-30. Review status: criteria provided, single submitter. Criteria: Invitae Variant Classification Sherloc (09022015). Collection method: clinical testing. Allele origin: germline.
Comment: This sequence change replaces threonine, which is neutral and polar, with lysine, which is basic and polar, at codon 937 of the MSH3 protein (p.Thr937Lys). This variant is not present in population databases (gnomAD no frequency). This variant has not been reported in the literature in individuals affected with MSH3-related conditions. ClinVar contains an entry for this variant (Variation ID: 1403293). An algorithm developed to predict the effect of missense changes on protein structure and function (PolyPhen-2) suggests that this variant is likely to be disruptive. In summary, the available evidence is currently insufficient to determine the role of this variant in disease. Therefore, it has been classified as a Variant of Uncertain Significance.

NM_002439.5(MSH3):c.2810C>A (p.Thr937Lys)

Gene: MSH3 (mutS homolog 3; plus strand). Cytogenetic location: 5q14.1.
Variant type: single nucleotide variant.
Coding change: c.2810C>A on transcript NM_002439.5 (MANE Select); coding-DNA position 2810, C replaced by A.
Protein change: p.Thr937Lys; replaces threonine 937 with lysine.
Molecular consequence: missense variant.
Genome position (GRCh38, 1-based): chr5:80,813,738, C>A. VCF-style: chr5-80813738-C-A. GRCh37 (hg19) VCF-style: chr5-80109557-C-A.
Other names: c.2810C>A (NM_002439.3); short protein forms T937K.
Identifiers: ClinVar variation 1403293 (VCV001403293.9), dbSNP rs777318930, ClinGen allele CA360274121.